The following is an entry in ClinVar:

ClinVar aggregate classification (germline): Uncertain significance. Review status: reviewed by expert panel (3 of 4 stars). 3 submissions from 3 submitters: Uncertain significance (1). 2 of the submissions do not count toward it. Last evaluated 2023-05-22.

Conditions:
Leigh syndrome (NULS). Also called: Leigh's syndrome; Leigh Disease; Subacute necrotizing encephalopathy; Necrotizing encephalopathy infantile subacute of Leigh; LEIGH SYNDROME, NUCLEAR; Leigh's necrotizing encephalopathy. Identifiers: Orphanet 506, MedGen C2931891, MONDO:0009723, OMIM 256000.
Mitochondrial disease. Also called: Mitochondrial disorder; Mitochondrial disorders. Identifiers: Orphanet 68380, MedGen C0751651, MeSH D028361, MONDO:0044970.

Submissions (3):

ClinGen Mitochondrial Disease Nuclear and Mitochondrial  Variant Curation Expert Panel, ClinGen
Classification: Uncertain significance for Mitochondrial disease. Last evaluated: 2023-05-22. Review status: reviewed by expert panel. Criteria: McCormick et al. (Hum Mutat. 2020). Collection method: curation. Allele origin: germline. Inheritance: Mitochondrial inheritance.
Comment: The m.7746A>G variant in MT-CO2 has been reported in one family to date (haplogroup B) including in an asymptomatic mother, however limited phenotypic details were provided (PMID: 23463613). As this is the only family reported to date, PS4 could not be applied. This variant is present in population databases (Mitomap's 21/59,389 sequences: AF= 0.035%; Helix's 66/195,983 sequences: AF=0.031% including 60 homoplasmic occurrences and an additional six heteroplasmic occurrences across haplogroups A, T, H, D, U, B, K. L3, M, F, I, J L2, and L1; and gnomAD v3.1.2: AF=0.012 % including seven homoplasmic occurrences in addition to two heteroplasmic occurrences in individuals from European, Latino, African, and Askenazi Jewish ancestry). Given the frequency of this variant, it does not meet PM2 criterion. The computational predictor APOGEE gives a consensus rating of benign with a score of 0.43 (Min=0, Max=1), evidence that does not predict a damaging effect on gene function (BP4). There are no cybrids, single fiber studies, or other functional assays reported on this variant. In summary, this variant meets criteria to be classified as uncertain significance for primary mitochondrial disease inherited in a mitochondrial manner. We note that three experts on this panel felt likely benign was a more appropriate classification given the presence in the general population however the majority (five) agreed with uncertain significance. This classification was approved by the NICHD/NINDS U24 ClinGen Mitochondrial Disease Variant Curation Expert Panel on May 22, 2023. Mitochondrial DNA-specific ACMG/AMP criteria applied (PMID: 32906214): BP4.

Wong Mito Lab, Molecular and Human Genetics, Baylor College of Medicine
Classification: Benign for Leigh syndrome. Last evaluated: 2019-10-17. Review status: criteria provided, single submitter. Criteria: Modified ACMG Guidelines (Unpublished). Collection method: clinical testing. Allele origin: germline. Not counted in ClinVar's aggregate classification.
Comment: The NC_012920.1:m.7746A>G (YP_003024029.1:p.Asn54Ser) variant in MTCO2 gene is interpretated to be a Benign variant based on the modified ACMG guidelines (unpublished). This variant meets the following evidence codes: BS1, BS4, BP4

Athena Diagnostics
Classification: Uncertain significance. Last evaluated: 2019-04-16. Review status: criteria provided, single submitter. Criteria: Athena Diagnostics Criteria. Collection method: clinical testing. Allele origin: germline. Not counted in ClinVar's aggregate classification.

NC_012920.1(MT-CO2):m.7746A>G

Gene: MT-CO2 (mitochondrially encoded cytochrome c oxidase II; plus strand).
Variant type: single nucleotide variant.
Genome position: chrM-7746-A-G.
Identifiers: ClinVar variation 692768 (VCV000692768.3), dbSNP rs1603221113, ClinGen allele CA414793545.
Genomic context (GRCh38, chrMT:7,746, plus strand): 5'-TCTGCTTCCTAGTCCTGTATGCCCTTTTCCTAACACTCACAACAAAACTAACTAATACTA[A>G]CATCTCAGACGCTCAGGAAATAGAAACCGTCTGAACTATCCTGCCCGCCATCATCCTAGT-3'